The following is an entry in ClinVar:

ClinVar aggregate classification (germline): Uncertain significance (1 of 4 stars; one submission).

Conditions:
Hereditary cancer-predisposing syndrome. Also called: Neoplastic Syndromes, Hereditary; Tumor predisposition; Hereditary Cancer Syndrome; Hereditary neoplastic syndrome. Identifiers: Orphanet 140162, MedGen C0027672, MeSH D009386, MONDO:0015356.

Submission:

Ambry Genetics
Classification: Uncertain significance for Hereditary cancer-predisposing syndrome. Last evaluated: 2026-02-20. Review status: criteria provided, single submitter. Criteria: Ambry Variant Classification Scheme 2023. Collection method: clinical testing. Allele origin: germline.
Comment: The p.L860I variant (also known as c.2578C>A), located in coding exon 15 of the APC gene, results from a C to A substitution at nucleotide position 2578. The leucine at codon 860 is replaced by isoleucine, an amino acid with highly similar properties. This amino acid position is conserved. In addition, in silico predictors for this gene do not accurately predict pathogenicity. Based on the available evidence, the clinical significance of this variant remains unclear.

NM_000038.6(APC):c.2578C>A (p.Leu860Ile)

Gene: APC (APC regulator of Wnt signaling pathway; plus strand). Cytogenetic location: 5q22.2.
Variant type: single nucleotide variant.
Coding change: c.2578C>A on transcript NM_000038.6 (MANE Select); coding-DNA position 2578, C replaced by A.
Protein change: p.Leu860Ile; replaces leucine 860 with isoleucine.
Molecular consequence: missense variant. On other transcripts: non-coding transcript variant (2).
Genome position (GRCh38, 1-based): chr5:112,838,172, C>A. VCF-style: chr5-112838172-C-A. GRCh37 (hg19) VCF-style: chr5-112173869-C-A.
Other names: c.2401C>A, p.Leu801Ile (NM_001354901.2, NM_001407453.1); c.2305C>A, p.Leu769Ile (NM_001354902.2); c.2275C>A, p.Leu759Ile (NM_001354903.2, NM_001407459.1, NM_001407460.1 and 1 more transcripts); c.2200C>A, p.Leu734Ile (NM_001354904.2); c.2098C>A, p.Leu700Ile (NM_001354905.2); c.1729C>A, p.Leu577Ile (NM_001354906.2, NM_001407470.1); c.2662C>A, p.Leu888Ile (NM_001407446.1); c.2632C>A, p.Leu878Ile (NM_001407447.1, NM_001407448.1, NM_001407449.1 and 1 more transcripts); and 11 more; short protein forms L476I, L577I, L700I, L734I, L832I, L759I, L835I, L842I.
Identifiers: ClinVar variation 4825068 (VCV004825068.1).